The following is an entry in ClinVar:

NM_182746.3(MCM4):c.2028G>A (p.Gln676=)

Gene: MCM4 (minichromosome maintenance complex component 4; plus strand). Cytogenetic location: 8q11.21.
Variant type: single nucleotide variant.
Coding change: c.2028G>A on transcript NM_182746.3 (MANE Select); coding-DNA position 2028, G replaced by A.
Protein change: p.Gln676=; no amino-acid change (glutamine 676 retained).
Molecular consequence: synonymous variant.
Genome position (GRCh38, 1-based): chr8:47,972,956, G>A. VCF-style: chr8-47972956-G-A. GRCh37 (hg19) VCF-style: chr8-48885516-G-A.
Other names: c.2028G>A, p.Gln676= (NM_005914.4).
Identifiers: ClinVar variation 2719510 (VCV002719510.4), dbSNP rs201340636, ClinGen allele CA4742775.
Genomic context (GRCh38, chr8:47,972,956, plus strand): 5'-AGCCTATGACAGGCGTCTGGCTCACCACCTGGTCGCACTGTACTACCAGAGCGAGGAGCA[G>A]GCAGAGGAGGAGCTCCTGGACATGGCGGTGCTAAAGGACTACATTGCCTACGCGCACAGC-3'
Protein context (NP_877423.1, residues 666-686): LVALYYQSEE[Gln676=]AEEELLDMAV

ClinVar aggregate classification (germline): Likely benign. Review status: criteria provided, multiple submitters, no conflicts (2 of 4 stars). 2 submissions from 2 submitters: Likely benign (2). Last evaluated 2026-09-01.

Allele frequency attached by ClinVar (database versions not stated): gnomAD 0.00001; TOPMed 0.00001; gnomAD exomes 0.00003; ExAC 0.00006; 1000 Genomes Project 0.00020; 1000 Genomes Project 30x 0.00031.
gnomAD v4.1: 18 of 1,614,228 alleles (0.0011%); highest among the groups gnomAD compares: Admixed American, 0.028%; no homozygotes.

Submissions (2):

CeGaT Center for Human Genetics Tuebingen
Classification: Likely benign. Last evaluated: 2026-09-01. Review status: criteria provided, single submitter. Criteria: CeGaT Center For Human Genetics Tuebingen Variant Classification Criteria Version 2. Collection method: clinical testing. Allele origin: germline. Affected: yes. Observed: 1 variant allele.
Comment: MCM4: BP4, BP7

Labcorp Genetics (formerly Invitae), Labcorp
Classification: Likely benign. Last evaluated: 2025-10-07. Review status: criteria provided, single submitter. Criteria: Invitae Variant Classification Sherloc (09022015). Collection method: clinical testing. Allele origin: germline.